The following is an entry in ClinVar:

NM_001353921.2(ARHGEF9):c.1208A>G (p.Asn403Ser)

Gene: ARHGEF9 (Cdc42 guanine nucleotide exchange factor 9; minus strand). Cytogenetic location: Xq11.1.
Variant type: single nucleotide variant.
Coding change: c.1208A>G on transcript NM_001353921.2 (MANE Select); coding-DNA position 1208, A replaced by G.
Protein change: p.Asn403Ser; replaces asparagine 403 with serine.
Molecular consequence: missense variant. On other transcripts: intron variant (2).
Genome position (GRCh38, 1-based): chrX:63,655,607, T>C on the plus strand (A>G on the coding strand, the complement: ARHGEF9 is on the minus strand). VCF-style: chrX-63655607-T-C. GRCh37 (hg19) VCF-style: chrX-62875487-T-C.
Other names: c.1187A>G (NM_015185.2); c.1028A>G, p.Asn343Ser (NM_001173479.2); c.881A>G, p.Asn294Ser (NM_001173480.2, NM_001369042.1); c.1124A>G, p.Asn375Ser (NM_001330495.2, NM_001369033.1, NM_001369034.1 and 4 more transcripts); c.1076A>G, p.Asn359Ser (NM_001353922.2); c.1226A>G, p.Asn409Ser (NM_001353923.1); c.1007A>G, p.Asn336Ser (NM_001353924.2, NM_001353926.2, NM_001369039.1 and 1 more transcripts); c.992A>G, p.Asn331Ser (NM_001353927.2, NM_001369041.1); and 4 more; short protein forms N336S, N403S, N409S, N294S, N352S, N331S, N359S, N396S.
Identifiers: ClinVar variation 1385267 (VCV001385267.9), dbSNP rs2147218280, ClinGen allele CA413404441.
Genomic context (GRCh38, chrX:63,655,607, plus strand): 5'-CAGCGTATTTTTTCCTCCAGCTTCTTGGCAAAGAACAGATGTATCTCCTCAGTCTCCTTG[T>C]TGTGAAGCTTAAAGGCATTCTTCATGCTGACATTGAAGTCATCATCTCTGCCATCCTCAA-3'
Protein context (NP_001340850.1, residues 393-413): VSMKNAFKLH[Asn403Ser]KETEEIHLFF

ClinVar aggregate classification (germline): Uncertain significance. Review status: criteria provided, multiple submitters, no conflicts (2 of 4 stars). 2 submissions from 2 submitters: Uncertain significance (2). Last evaluated 2024-12-27.

Conditions:
Developmental and epileptic encephalopathy, 8 (DEE8). Also called: HYPEREKPLEXIA AND EPILEPSY. Identifiers: Orphanet 163985, Orphanet 2076, MedGen C1845102, MONDO:0010375, OMIM 300607.

Submissions (2):

GeneDx
Classification: Uncertain significance. Last evaluated: 2024-12-27. Review status: criteria provided, single submitter. Criteria: GeneDx Variant Classification Process June 2021. Collection method: clinical testing. Allele origin: germline. Affected: yes.
Comment: Has not been previously published as pathogenic or benign to our knowledge; In silico analysis indicates that this missense variant does not alter protein structure/function; Not observed at significant frequency in large population cohorts (gnomAD)

Labcorp Genetics (formerly Invitae), Labcorp
Classification: Uncertain significance for Developmental and epileptic encephalopathy, 8. Last evaluated: 2021-04-06. Review status: criteria provided, single submitter. Criteria: Invitae Variant Classification Sherloc (09022015). Collection method: clinical testing. Allele origin: germline.
Comment: Algorithms developed to predict the effect of missense changes on protein structure and function are either unavailable or do not agree on the potential impact of this missense change (SIFT: "Deleterious"; PolyPhen-2: "Benign"; Align-GVGD: "Class C45"). In summary, the available evidence is currently insufficient to determine the role of this variant in disease. Therefore, it has been classified as a Variant of Uncertain Significance. This variant has been observed in individual(s) with clinical features of ARHGEF9-related conditions (Invitae). This variant is not present in population databases (ExAC no frequency). This sequence change replaces asparagine with serine at codon 396 of the ARHGEF9 protein (p.Asn396Ser). The asparagine residue is highly conserved and there is a small physicochemical difference between asparagine and serine.